The following is an entry in ClinVar:

ClinVar aggregate classification (germline): Conflicting classifications of pathogenicity. Review status: criteria provided, conflicting classifications (1 of 4 stars). 5 submissions from 5 submitters: Likely pathogenic (1); Uncertain significance (4). Last evaluated 2026-08-28.

Conditions:
Bethlem myopathy 1A. Also called: MYOPATHY, BENIGN CONGENITAL, WITH CONTRACTURES; Bethlem myopathy 1; Bethlem Muscular Dystrophy. Identifiers: Orphanet 610, MedGen CN029274, MONDO:0024530, OMIM 158810.
Ullrich congenital muscular dystrophy 1A. Also called: Ullrich congenital muscular dystrophy 1; Intermediate COL6-RD. Identifiers: Orphanet 75840, MedGen C0410179, MONDO:0009681, OMIM 254090.

Allele frequency attached by ClinVar (database versions not stated): TOPMed 0.00002.
gnomAD v4.1: 7 of 1,609,400 alleles (0.00043%); highest among the groups gnomAD compares: Admixed American, 0.0033%; no homozygotes.

Submissions (5):

GeneDx
Classification: Likely pathogenic. Last evaluated: 2026-08-28. Review status: criteria provided, single submitter. Criteria: GeneDx Variant Classification Process June 2021. Collection method: clinical testing. Allele origin: germline.
Comment: Not observed at significant frequency in large population cohorts (gnomAD); In silico analysis supports that this missense variant has a deleterious effect on protein structure/function; This variant is associated with the following publications: (PMID: 30564623, 38155714, 37688281)

Labcorp Genetics (formerly Invitae), Labcorp
Classification: Uncertain significance for Bethlem myopathy 1A. Last evaluated: 2024-12-18. Review status: criteria provided, single submitter. Criteria: Invitae Variant Classification Sherloc (09022015). Collection method: clinical testing. Allele origin: germline.
Comment: This sequence change replaces arginine, which is basic and polar, with proline, which is neutral and non-polar, at codon 965 of the COL6A2 protein (p.Arg965Pro). This variant is present in population databases (no rsID available, gnomAD 0.0009%). This missense change has been observed in individual(s) with clinical features of limb-girdle muscular dystrophy (PMID: 30564623). ClinVar contains an entry for this variant (Variation ID: 265525). Invitae Evidence Modeling of protein sequence and biophysical properties (such as structural, functional, and spatial information, amino acid conservation, physicochemical variation, residue mobility, and thermodynamic stability) indicates that this missense variant is expected to disrupt COL6A2 protein function with a positive predictive value of 80%. In summary, the available evidence is currently insufficient to determine the role of this variant in disease. Therefore, it has been classified as a Variant of Uncertain Significance.

Broad Center for Mendelian Genomics, Broad Institute of MIT and Harvard
Classification: Uncertain significance for Ullrich congenital muscular dystrophy 1A. Last evaluated: 2022-05-04. Review status: criteria provided, single submitter. Criteria: ACMG Guidelines, 2015. Collection method: curation. Allele origin: germline. Inheritance: Autosomal recessive inheritance.
Comment: The variant has been reported in 1 individual of unknown ethnicity with Ullrich congenital muscular dystrophy 1 (PMID: 30564623), and has been identified in 0.0009% (1/110998) of European non-Finnish chromosomes by the Genome Aggregation Database (gnomAD; dbSNP ID: rs201854898). Although this variant has been seen in the general population, its frequency is low enough to be consistent with a recessive carrier frequency. This variant has also been reported in ClinVar (Variation ID: 265525) as likely pathogenic by GeneDx, and as having uncertain significance by Invitae and EGL Genetic Diagnostics, Eurofins Clinical Diagnostics. Computational prediction tools and conservation analyses suggest that this variant may impact the protein, though this information is not predictive enough to determine pathogenicity. The presence of this variant in 1 affected homozygote, and in 1 individual with Ullrich congenital muscular dystrophy 1 increases the likelihood that the p.Arg965Pro variant is pathogenic (PMID: 30564623). In summary, while there is some suspicion for a pathogenic role, the clinical significance of this variant is uncertain. ACMG/AMP Criteria applied: PM2, PM3_supporting, PP3 (Richards 2015).

Revvity Omics, Revvity
Classification: Uncertain significance. Last evaluated: 2021-01-06. Review status: criteria provided, single submitter. Criteria: ACMG Guidelines, 2015. Collection method: clinical testing. Allele origin: germline.

Eurofins Ntd Llc (ga)
Classification: Uncertain significance. Last evaluated: 2018-04-02. Review status: criteria provided, single submitter. Criteria: EGL ClinVar v180209 classification definitions. Collection method: clinical testing. Allele origin: germline. Observed: 6 variant alleles, 1 heterozygote, 5 homozygotes.

Literature cited by the submitters: PubMed 30564623 (cited by Labcorp Genetics (formerly Invitae), Labcorp).

NM_001849.4(COL6A2):c.2894G>C (p.Arg965Pro)

Gene: COL6A2 (collagen type VI alpha 2 chain; plus strand). Cytogenetic location: 21q22.3.
Variant type: single nucleotide variant.
Coding change: c.2894G>C on transcript NM_001849.4 (MANE Select); coding-DNA position 2894, G replaced by C.
Protein change: p.Arg965Pro; replaces arginine 965 with proline.
Molecular consequence: missense variant.
Genome position (GRCh38, 1-based): chr21:46,132,386, G>C. VCF-style: chr21-46132386-G-C. GRCh37 (hg19) VCF-style: chr21-47552300-G-C.
Other names: NM_001849.3(COL6A2):c.2894G>C; p.Arg965Pro; short protein forms R965P.
Identifiers: ClinVar variation 265525 (VCV000265525.20), dbSNP rs201854898, ClinGen allele CA10588713.